The following is an entry in ClinVar:

ClinVar aggregate classification (germline): Uncertain significance (1 of 4 stars; one submission).

gnomAD v4.1: 8 of 1,581,214 alleles (0.00051%); highest among the groups gnomAD compares: African/African-American, 0.0013%; no homozygotes.

Submission:

GeneDx
Classification: Uncertain significance. Last evaluated: 2023-05-16. Review status: criteria provided, single submitter. Criteria: GeneDx Variant Classification Process June 2021. Collection method: clinical testing. Allele origin: germline. Affected: yes.
Comment: Not observed at significant frequency in large population cohorts (gnomAD); In silico analysis supports that this missense variant has a deleterious effect on protein structure/function; Has not been previously published as pathogenic or benign to our knowledge

NM_001395413.1(POR):c.1420G>T (p.Val474Leu)

Gene: POR (cytochrome p450 oxidoreductase; plus strand). Cytogenetic location: 7q11.23.
Variant type: single nucleotide variant.
Coding change: c.1420G>T on transcript NM_001395413.1 (MANE Select); coding-DNA position 1420, G replaced by T.
Protein change: p.Val474Leu; replaces valine 474 with leucine.
Molecular consequence: missense variant.
Genome position (GRCh38, 1-based): chr7:75,985,609, G>T. VCF-style: chr7-75985609-G-T. GRCh37 (hg19) VCF-style: chr7-75614927-G-T.
Other names: c.1420G>T, p.Val474Leu (NM_001367562.3, NM_001382657.2, NM_001382658.3 and 1 more transcripts); c.1474G>T, p.Val492Leu (NM_001382655.3); c.1270G>T, p.Val424Leu (NM_001382662.3); c.1429G>T (NM_000941.2); short protein forms V424L, V474L, V492L.
Identifiers: ClinVar variation 3343574 (VCV003343574.1).